The following is an entry in ClinVar:

ClinVar aggregate classification (germline): Uncertain significance. Review status: criteria provided, multiple submitters, no conflicts (2 of 4 stars). 2 submissions from 2 submitters: Uncertain significance (2). Last evaluated 2026-09-17.

Conditions:
CACNA1C-related disorder. Also called: CACNA1C-related disorders; CACNA1C-related condition. Identifiers: MedGen CN381092, MONDO:0700321.
Long QT syndrome (LQTS). Identifiers: MedGen C0023976, MeSH D008133, MONDO:0002442. Disease mechanism: loss of function. Inheritance: Various modes of inheritance.

Submissions (2):

PreventionGenetics, part of Exact Sciences
Classification: Uncertain significance for CACNA1C-related condition. Last evaluated: 2026-09-17. Review status: criteria provided, single submitter. Criteria: ACMG Guidelines, 2015. Collection method: clinical testing. Allele origin: germline.
Comment: The CACNA1C c.5998_6006del9 variant is predicted to result in an in-frame deletion (p.Pro2000_Gly2002del). To our knowledge, this variant has not been reported in the literature. This variant is reported in 0.012% of alleles in individuals of African descent in gnomAD. At this time, the clinical significance of this variant is uncertain due to the absence of conclusive functional and genetic evidence.

Labcorp Genetics (formerly Invitae), Labcorp
Classification: Uncertain significance for Long QT syndrome. Last evaluated: 2025-04-30. Review status: criteria provided, single submitter. Criteria: Invitae Variant Classification Sherloc (09022015). Collection method: clinical testing. Allele origin: germline.
Comment: This variant, c.5998_6006del, results in the deletion of 3 amino acid(s) of the CACNA1C protein (p.Pro2000_Gly2002del), but otherwise preserves the integrity of the reading frame. This variant is present in population databases (no rsID available, gnomAD 0.01%). This variant has not been reported in the literature in individuals affected with CACNA1C-related conditions. ClinVar contains an entry for this variant (Variation ID: 2158877). Experimental studies and prediction algorithms are not available or were not evaluated, and the functional significance of this variant is currently unknown. In summary, the available evidence is currently insufficient to determine the role of this variant in disease. Therefore, it has been classified as a Variant of Uncertain Significance.

NM_000719.7(CACNA1C):c.5998_6006del (p.Pro2000_Gly2002del)

Genes: CACNA1C (calcium voltage-gated channel subunit alpha1 C; plus strand), CACNA1C-AS1 (CACNA1C antisense RNA 1; minus strand). Cytogenetic location: 12p13.33.
Variant type: Deletion.
Coding change: c.5998_6006del on transcript NM_000719.7 (MANE Select); coding-DNA positions 5998 to 6006, 9 bases deleted (CCCGGTGGC; older notation c.5998_6006delCCCGGTGGC).
Protein change: p.Pro2000_Gly2002del.
Molecular consequence: inframe deletion.
Genome position (GRCh38, 1-based): chr12:2,688,660-2,688,668, CCCGGTGGC deleted; deleting any 9 consecutive bases within chr12:2,688,659-2,688,668 gives the same sequence; the c. name uses the placement nearest the transcript's 3' end. VCF-style (leftmost placement, unchanged base first): chr12-2688658-CCCCCGGTGG-C. GRCh37 (hg19) VCF-style: chr12-2797824-CCCCCGGTGG-C.
Other names: c.6142_6150del, p.Pro2048_Gly2050del (NM_001129827.2); c.6121_6129del, p.Pro2041_Gly2043del (NM_001129829.2); c.6103_6111del, p.Pro2035_Gly2037del (NM_001129830.3, NM_001167624.3); c.6082_6090del, p.Pro2028_Gly2030del (NM_001129831.2); c.6058_6066del, p.Pro2020_Gly2022del (NM_001129832.2); c.6055_6063del, p.Pro2019_Gly2021del (NM_001129833.2, NM_001129834.2, NM_001129835.2); c.6049_6057del, p.Pro2017_Gly2019del (NM_001129836.2); c.6022_6030del, p.Pro2008_Gly2010del (NM_001129837.2, NM_001129838.2); and 7 more.
Identifiers: ClinVar variation 2158877 (VCV002158877.5), dbSNP rs1569286591, ClinGen allele CA603040340.